The following is an entry in ClinVar:

NM_003922.4(HERC1):c.9172T>C (p.Tyr3058His)

Gene: HERC1 (HECT and RLD domain containing E3 ubiquitin protein ligase family member 1; minus strand). Cytogenetic location: 15q22.31.
Variant type: single nucleotide variant.
Coding change: c.9172T>C on transcript NM_003922.4 (MANE Select); coding-DNA position 9172, T replaced by C.
Protein change: p.Tyr3058His; replaces tyrosine 3058 with histidine.
Molecular consequence: missense variant.
Genome position (GRCh38, 1-based): chr15:63,661,024, A>G on the plus strand (T>C on the coding strand, the complement: HERC1 is on the minus strand). VCF-style: chr15-63661024-A-G. GRCh37 (hg19) VCF-style: chr15-63953223-A-G.
Other names: short protein forms Y3058H.
Identifiers: ClinVar variation 2114838 (VCV002114838.4), dbSNP rs933434277, ClinGen allele CA272112285.

ClinVar aggregate classification (germline): Uncertain significance (1 of 4 stars; one submission).

Allele frequency attached by ClinVar (database versions not stated): gnomAD 0.00001; gnomAD exomes 0.00001; TOPMed 0.00002.
gnomAD v4.1: 11 of 1,610,086 alleles (0.00068%); highest among the groups gnomAD compares: Non-Finnish European, 0.00085%; no homozygotes.

Submission:

Labcorp Genetics (formerly Invitae), Labcorp
Classification: Uncertain significance. Last evaluated: 2022-09-07. Review status: criteria provided, single submitter. Criteria: Invitae Variant Classification Sherloc (09022015). Collection method: clinical testing. Allele origin: germline.
Comment: This sequence change replaces tyrosine, which is neutral and polar, with histidine, which is basic and polar, at codon 3058 of the HERC1 protein (p.Tyr3058His). This variant is present in population databases (no rsID available, gnomAD 0.007%). In summary, the available evidence is currently insufficient to determine the role of this variant in disease. Therefore, it has been classified as a Variant of Uncertain Significance. Algorithms developed to predict the effect of missense changes on protein structure and function (SIFT, PolyPhen-2, Align-GVGD) all suggest that this variant is likely to be disruptive. This variant has not been reported in the literature in individuals affected with HERC1-related conditions.